The following is an entry in ClinVar:

ClinVar aggregate classification (germline): Uncertain significance. Review status: criteria provided, multiple submitters, no conflicts (2 of 4 stars). 3 submissions from 3 submitters: Uncertain significance (3). Last evaluated 2025-11-30.

Conditions:
Inborn genetic diseases. Identifiers: MedGen C0950123, MeSH D030342.

Allele frequency attached by ClinVar (database versions not stated): gnomAD exomes 0.00001 and 0.00003; ExAC 0.00003; gnomAD 0.00007 and 0.00009; ESP Exome Variant Server 0.00008; TOPMed 0.00008.
gnomAD v4.1: 24 of 1,611,776 alleles (0.0015%); highest among the groups gnomAD compares: African/African-American, 0.028%; no homozygotes.

Submissions (3):

Labcorp Genetics (formerly Invitae), Labcorp
Classification: Uncertain significance. Last evaluated: 2025-11-30. Review status: criteria provided, single submitter. Criteria: Invitae Variant Classification Sherloc (09022015). Collection method: clinical testing. Allele origin: germline.
Comment: This sequence change replaces methionine, which is neutral and non-polar, with isoleucine, which is neutral and non-polar, at codon 34 of the CNGA1 protein (p.Met34Ile). This variant is present in population databases (rs377132724, gnomAD 0.04%). This variant has not been reported in the literature in individuals affected with CNGA1-related conditions. ClinVar contains an entry for this variant (Variation ID: 1482442). An algorithm developed to predict the effect of missense changes on protein structure and function outputs the following: PolyPhen-2: "Benign". The isoleucine amino acid residue is found in multiple mammalian species, which suggests that this missense change does not adversely affect protein function. In summary, the available evidence is currently insufficient to determine the role of this variant in disease. Therefore, it has been classified as a Variant of Uncertain Significance.

Ambry Genetics
Classification: Uncertain significance for Inborn genetic diseases. Last evaluated: 2023-12-14. Review status: criteria provided, single submitter. Criteria: Ambry Variant Classification Scheme 2023. Collection method: clinical testing. Allele origin: germline.

Breakthrough Genomics
Classification: Uncertain significance. Review status: criteria provided, single submitter. Criteria: ACMG Guidelines, 2015. Collection method: not provided. Allele origin: germline. Inheritance: Unknown mechanism. Affected: yes.

NM_001379270.1(CNGA1):c.90G>A (p.Met30Ile)

Genes: CNGA1 (cyclic nucleotide gated channel subunit alpha 1; minus strand), LOC101927157 (uncharacterized LOC101927157; plus strand). Cytogenetic location: 4p12.
Variant type: single nucleotide variant.
Coding change: c.90G>A on transcript NM_001379270.1 (MANE Select); coding-DNA position 90, G replaced by A.
Protein change: p.Met30Ile; replaces methionine 30 with isoleucine.
Molecular consequence: missense variant.
Genome position (GRCh38, 1-based): chr4:47,952,600, C>T on the plus strand (G>A on the coding strand, the complement: CNGA1 is on the minus strand). VCF-style: chr4-47952600-C-T. GRCh37 (hg19) VCF-style: chr4-47954617-C-T.
Other names: c.90G>A, p.Met30Ile (NM_000087.5, NM_001142564.2); c.102G>A (NM_000087.3); short protein forms M30I.
Identifiers: ClinVar variation 1482442 (VCV001482442.10), dbSNP rs377132724, ClinGen allele CA2911390.